The following is an entry in ClinVar:

ClinVar aggregate classification (germline): Uncertain significance (1 of 4 stars; one submission).

Allele frequency attached by ClinVar (database versions not stated): gnomAD 0.00001; gnomAD exomes 0.00001 and 0.00003; TOPMed 0.00001; ExAC 0.00004; ESP Exome Variant Server 0.00008.
gnomAD v4.1: 12 of 1,614,094 alleles (0.00074%); highest among the groups gnomAD compares: Non-Finnish European, 0.001%; no homozygotes.

Submission:

Labcorp Genetics (formerly Invitae), Labcorp
Classification: Uncertain significance. Last evaluated: 2024-11-22. Review status: criteria provided, single submitter. Criteria: Invitae Variant Classification Sherloc (09022015). Collection method: clinical testing. Allele origin: germline.
Comment: This sequence change replaces lysine, which is basic and polar, with arginine, which is basic and polar, at codon 382 of the SNIP1 protein (p.Lys382Arg). This variant is present in population databases (rs372672826, gnomAD 0.005%). This variant has not been reported in the literature in individuals affected with SNIP1-related conditions. ClinVar contains an entry for this variant (Variation ID: 1374208). An algorithm developed to predict the effect of missense changes on protein structure and function (PolyPhen-2) suggests that this variant is likely to be disruptive. In summary, the available evidence is currently insufficient to determine the role of this variant in disease. Therefore, it has been classified as a Variant of Uncertain Significance.

NM_024700.4(SNIP1):c.1145A>G (p.Lys382Arg)

Gene: SNIP1 (Smad nuclear interacting protein 1; minus strand). Cytogenetic location: 1p34.3.
Variant type: single nucleotide variant.
Coding change: c.1145A>G on transcript NM_024700.4 (MANE Select); coding-DNA position 1145, A replaced by G.
Protein change: p.Lys382Arg; replaces lysine 382 with arginine.
Molecular consequence: missense variant.
Genome position (GRCh38, 1-based): chr1:37,537,794, T>C on the plus strand (A>G on the coding strand, the complement: SNIP1 is on the minus strand). VCF-style: chr1-37537794-T-C. GRCh37 (hg19) VCF-style: chr1-38003395-T-C.
Other names: short protein forms K382R.
Identifiers: ClinVar variation 1374208 (VCV001374208.6), dbSNP rs372672826, ClinGen allele CA771210.
Genomic context (GRCh38, chr1:37,537,794, plus strand): 5'-GGGTTCTTAGTTTGCTAGCTGTCAGACACTTCTTCCTCCTCCTCCTCATCCTCGTCATCT[T>C]TCCTGTCTATTTCAGAAGTGTCCGACGACTCATGGAGCAAGACGTATTCTCTGCTACTGA-3'
Protein context (NP_078976.2, residues 372-392): ESSDTSEIDR[Lys382Arg]DDEDEEEEEE